The following is an entry in ClinVar:

NM_006904.7(PRKDC):c.4573-11_4573-10delinsAC

Gene: PRKDC (protein kinase, DNA-activated, catalytic subunit; minus strand). Cytogenetic location: 8q11.21.
Variant type: Indel.
Coding change: c.4573-11_4573-10delinsAC on transcript NM_006904.7 (MANE Select); 11 bases into the intron before coding-DNA position 4573 through 10 bases into the intron before coding-DNA position 4573, CT replaced by AC.
Molecular consequence: intron variant.
Genome position (GRCh38, 1-based): chr8:47,886,157-47,886,158, AG replaced by GT on the plus strand (CT replaced by AC on the coding strand, the reverse complement: PRKDC is on the minus strand). VCF-style: chr8-47886157-AG-GT. GRCh37 (hg19) VCF-style: chr8-48798718-AG-GT.
Other names: c.4573-11_4573-10delinsAC (NM_001081640.2).
Identifiers: ClinVar variation 642452 (VCV000642452.6), dbSNP rs1589765898, ClinGen allele CA915945680.

ClinVar aggregate classification (germline): Uncertain significance (1 of 4 stars; one submission).

Conditions:
Severe combined immunodeficiency due to DNA-PKcs deficiency. Also called: IMMUNODEFICIENCY 26 WITH NEUROLOGIC ABNORMALITIES; Immunodeficiency 26 with or without neurologic abnormalities. Identifiers: Orphanet 317425, MedGen C4014833, MONDO:0014423, OMIM 615966.

Submission:

Labcorp Genetics (formerly Invitae), Labcorp
Classification: Uncertain significance for Severe combined immunodeficiency due to DNA-PKcs deficiency. Last evaluated: 2022-06-30. Review status: criteria provided, single submitter. Criteria: Invitae Variant Classification Sherloc (09022015). Collection method: clinical testing. Allele origin: germline.
Comment: This sequence change falls in intron 35 of the PRKDC gene. It does not directly change the encoded amino acid sequence of the PRKDC protein. Information on the frequency of this variant in the gnomAD database is not available, as this variant may be reported differently in the database. This variant has not been reported in the literature in individuals affected with PRKDC-related conditions. ClinVar contains an entry for this variant (Variation ID: 642452). Algorithms developed to predict the effect of sequence changes on RNA splicing suggest that this variant may disrupt the consensus splice site. In summary, the available evidence is currently insufficient to determine the role of this variant in disease. Therefore, it has been classified as a Variant of Uncertain Significance.